The following is an entry in ClinVar:

ClinVar aggregate classification (germline): Benign/Likely benign. Review status: criteria provided, multiple submitters, no conflicts (2 of 4 stars). 5 submissions from 5 submitters: Benign (1); Likely benign (4). Last evaluated 2025-12-01.

Allele frequency attached by ClinVar (database versions not stated): TOPMed 0.00005; 1000 Genomes Project 30x 0.00094; 1000 Genomes Project 0.00120.
gnomAD v4.1: 464 of 1,614,026 alleles (0.029%); highest among the groups gnomAD compares: South Asian, 0.36%; 5 homozygotes.

Submissions (5):

CeGaT Center for Human Genetics Tuebingen
Classification: Likely benign. Last evaluated: 2025-12-01. Review status: criteria provided, single submitter. Criteria: CeGaT Center For Human Genetics Tuebingen Variant Classification Criteria Version 2. Collection method: clinical testing. Allele origin: germline. Affected: yes. Observed: 1 variant allele.
Comment: RDX: BP4, BP7

Labcorp Genetics (formerly Invitae), Labcorp
Classification: Benign. Last evaluated: 2025-07-10. Review status: criteria provided, single submitter. Criteria: Invitae Variant Classification Sherloc (09022015). Collection method: clinical testing. Allele origin: germline.

Blueprint Genetics
Classification: Likely benign. Last evaluated: 2024-10-09. Review status: criteria provided, single submitter. Criteria: ACMG Guidelines, 2015. Collection method: clinical testing. Allele origin: germline.

GeneDx
Classification: Likely benign. Last evaluated: 2021-06-03. Review status: criteria provided, single submitter. Criteria: GeneDx Variant Classification Process June 2021. Collection method: clinical testing. Allele origin: germline. Affected: yes.

Laboratory for Molecular Medicine, Mass General Brigham Personalized Medicine
Classification: Likely benign. Last evaluated: 2013-11-06. Review status: criteria provided, single submitter. Criteria: LMM Criteria. Collection method: clinical testing. Allele origin: germline. Observed: 3 variant alleles.
Comment: p.Pro470Pro in exon 13 of RDX: This variant is not expected to have clinical sig nificance because it does not alter an amino acid residue and is not found withi n the splice consensus sequence. This variant has been identified in 0.4% (118/3 0780) of South Asian chromosomes by the Genome Aggregation Database (gnomAD; dbSNP rs577555846).

NM_002906.4(RDX):c.1410C>A (p.Pro470=)

Gene: RDX (radixin; minus strand). Cytogenetic location: 11q22.3.
Variant type: single nucleotide variant.
Coding change: c.1410C>A on transcript NM_002906.4 (MANE Select); coding-DNA position 1410, C replaced by A.
Protein change: p.Pro470=; no amino-acid change (proline 470 retained).
Molecular consequence: synonymous variant. On other transcripts: intron variant (1).
Genome position (GRCh38, 1-based): chr11:110,233,414, G>T on the plus strand (C>A on the coding strand, the complement: RDX is on the minus strand). VCF-style: chr11-110233414-G-T. GRCh37 (hg19) VCF-style: chr11-110104139-G-T.
Other names: c.1410C>A, p.Pro470= (NM_001260492.2, NM_001260493.2); c.1002C>A, p.Pro334= (NM_001260494.2); c.369C>A, p.Pro123= (NM_001260495.2); c.405-1410C>A (NM_001260496.2).
Identifiers: ClinVar variation 179346 (VCV000179346.22), dbSNP rs577555846, ClinGen allele CA184241.
Genomic context (GRCh38, chr11:110,233,414, plus strand): 5'-ATCGTGTTCATCATGTTCGTTTTCTGTTGGAGGAATGACTGGTGGTGGTGGAGGTGGAGG[G>T]GGGGCAGACATCACAGTTTTTAACTCTTCTTTGGTCTTTTCCAAGTCTTCCTGGGCTGCA-3'
Protein context (NP_002897.1, residues 460-480): KEELKTVMSA[Pro470=]PPPPPPPVIP